The following is an entry in ClinVar:

NM_001374736.1(DST):c.3963+7G>A

Gene: DST (dystonin; minus strand). Cytogenetic location: 6p12.1.
Variant type: single nucleotide variant.
Coding change: c.3963+7G>A on transcript NM_001374736.1 (MANE Select); 7 bases into the intron after coding-DNA position 3963, G replaced by A.
Molecular consequence: intron variant.
Genome position (GRCh38, 1-based): chr6:56,631,876, C>T on the plus strand (G>A on the coding strand, the complement: DST is on the minus strand). VCF-style: chr6-56631876-C-T. GRCh37 (hg19) VCF-style: chr6-56496674-C-T.
Other names: c.2352+7G>A (NM_001723.5, NM_015548.5, NM_001723.7); c.3864+7G>A (NM_001144769.5); c.3963+7G>A (NM_001374722.1); c.3990+7G>A (NM_001374734.1); c.3450+7G>A (NM_001144770.2); c.3330+7G>A (NM_001374730.1, NM_001386100.1, NM_183380.4 and 1 more transcripts).
Identifiers: ClinVar variation 1635845 (VCV001635845.9), dbSNP rs371216097, ClinGen allele CA3871015.

ClinVar aggregate classification (germline): Likely benign. Review status: criteria provided, multiple submitters, no conflicts (2 of 4 stars). 2 submissions from 2 submitters: Likely benign (2). Last evaluated 2026-08-20.

Conditions:
DST-related disorder. Also called: DST-related disorders; DST-related condition.
Epidermolysis bullosa simplex 3, localized or generalized intermediate, with BP230 deficiency (EBS3). Also called: Epidermolysis bullosa simplex, autosomal recessive 2; Epidermolysis bullosa simplex due to BP230 deficiency. Identifiers: Orphanet 412181, MedGen C3809470, MONDO:0014180, OMIM 615425.
Hereditary sensory and autonomic neuropathy type 6. Also called: Neuropathy, hereditary sensory and autonomic, type VI; HSAN VI. Identifiers: Orphanet 314381, MedGen C3539003, MONDO:0013839, OMIM 614653.

Allele frequency attached by ClinVar (database versions not stated): ESP Exome Variant Server 0.00008.
gnomAD v4.1: 46 of 1,613,344 alleles (0.0029%); highest among the groups gnomAD compares: Admixed American, 0.025%; no homozygotes.

Submissions (2):

PreventionGenetics, part of Exact Sciences
Classification: Likely benign for DST-related condition. Last evaluated: 2026-08-20. Review status: criteria provided, single submitter. Criteria: ACMG Guidelines, 2015. Collection method: clinical testing. Allele origin: germline.
Comment: This variant is classified as likely benign based on ACMG/AMP sequence variant interpretation guidelines (Richards et al. 2015 PMID: 25741868, with internal and published modifications).

Labcorp Genetics (formerly Invitae), Labcorp
Classification: Likely benign for Epidermolysis bullosa simplex 3, localized or generalized intermediate, with BP230 deficiency; Hereditary sensory and autonomic neuropathy type 6. Last evaluated: 2025-06-16. Review status: criteria provided, single submitter. Criteria: Invitae Variant Classification Sherloc (09022015). Collection method: clinical testing. Allele origin: germline.